The following is an entry in ClinVar:

NM_001848.3(COL6A1):c.1336-17G>A

Gene: COL6A1 (collagen type VI alpha 1 chain; plus strand). Cytogenetic location: 21q22.3.
Variant type: single nucleotide variant.
Coding change: c.1336-17G>A on transcript NM_001848.3 (MANE Select); 17 bases into the intron before coding-DNA position 1336, G replaced by A.
Molecular consequence: intron variant.
Genome position (GRCh38, 1-based): chr21:45,994,150, G>A. VCF-style: chr21-45994150-G-A. GRCh37 (hg19) VCF-style: chr21-47414064-G-A.
Identifiers: ClinVar variation 258285 (VCV000258285.15), dbSNP rs185337381, ClinGen allele CA10070252.

ClinVar aggregate classification (germline): Benign/Likely benign. Review status: criteria provided, multiple submitters, no conflicts (2 of 4 stars). 5 submissions from 5 submitters: Benign (1); Likely benign (4). Last evaluated 2026-02-01.

Conditions:
Bethlem myopathy 1A. Also called: Bethlem Muscular Dystrophy; MYOPATHY, BENIGN CONGENITAL, WITH CONTRACTURES; Bethlem myopathy 1. Identifiers: Orphanet 610, MedGen CN029274, MONDO:0024530, OMIM 158810.

Allele frequency attached by ClinVar (database versions not stated): 1000 Genomes Project 30x 0.00062; 1000 Genomes Project 0.00080; ESP Exome Variant Server 0.00085; gnomAD 0.00103 and 0.00106; gnomAD exomes 0.00112 and 0.00174; TOPMed 0.00119; ExAC 0.00205.
gnomAD v4.1: 2,608 of 1,590,672 alleles (0.16%); highest among the groups gnomAD compares: East Asian, 0.42%; 2 homozygotes.

Submissions (5):

Labcorp Genetics (formerly Invitae), Labcorp
Classification: Benign for Bethlem myopathy 1A. Last evaluated: 2026-02-01. Review status: criteria provided, single submitter. Criteria: Invitae Variant Classification Sherloc (09022015). Collection method: clinical testing. Allele origin: germline.

Women's Health and Genetics/Laboratory Corporation of America, LabCorp
Classification: Likely benign. Last evaluated: 2025-06-27. Review status: criteria provided, single submitter. Criteria: LabCorp Variant Classification Summary - May 2015. Collection method: clinical testing. Allele origin: germline.

Blueprint Genetics
Classification: Likely benign. Last evaluated: 2024-11-19. Review status: criteria provided, single submitter. Criteria: ACMG Guidelines, 2015. Collection method: clinical testing. Allele origin: germline.

GeneDx
Classification: Likely benign. Last evaluated: 2018-01-02. Review status: criteria provided, single submitter. Criteria: GeneDx Variant Classification (06012015). Collection method: clinical testing. Allele origin: germline. Affected: yes.
Comment: This variant is considered likely benign or benign based on one or more of the following criteria: it is a conservative change, it occurs at a poorly conserved position in the protein, it is predicted to be benign by multiple in silico algorithms, and/or has population frequency not consistent with disease.

PreventionGenetics, part of Exact Sciences
Classification: Likely benign. Review status: criteria provided, single submitter. Criteria: ACMG Guidelines, 2015. Collection method: clinical testing. Allele origin: germline.